The following is an entry in ClinVar:

NM_199420.4(POLQ):c.904A>G (p.Ile302Val)

Gene: POLQ (DNA polymerase theta; minus strand). Cytogenetic location: 3q13.33.
Variant type: single nucleotide variant.
Coding change: c.904A>G on transcript NM_199420.4 (MANE Select); coding-DNA position 904, A replaced by G.
Protein change: p.Ile302Val; replaces isoleucine 302 with valine.
Molecular consequence: missense variant.
Genome position (GRCh38, 1-based): chr3:121,533,046, T>C on the plus strand (A>G on the coding strand, the complement: POLQ is on the minus strand). VCF-style: chr3-121533046-T-C. GRCh37 (hg19) VCF-style: chr3-121251893-T-C.
Other names: short protein forms I302V.
Identifiers: ClinVar variation 2497207 (VCV002497207.2), dbSNP rs1230395559, ClinGen allele CA354126034.

ClinVar aggregate classification (germline): Uncertain significance (1 of 4 stars; one submission).

Allele frequency attached by ClinVar (database versions not stated): gnomAD exomes below 0.00001; TOPMed below 0.00001.
gnomAD v4.1: 2 of 1,614,020 alleles (0.00012%); highest among the groups gnomAD compares: Non-Finnish European, 0.00017%; no homozygotes.

Submission:

Ambry Genetics
Classification: Uncertain significance. Last evaluated: 2023-02-20. Review status: criteria provided, single submitter. Criteria: Ambry Variant Classification Scheme 2023. Collection method: clinical testing. Allele origin: germline.
Comment: The p.I302V variant (also known as c.904A>G), located in coding exon 6 of the POLQ gene, results from an A to G substitution at nucleotide position 904. The isoleucine at codon 302 is replaced by valine, an amino acid with highly similar properties. This amino acid position is conserved. In addition, this alteration is predicted to be tolerated by in silico analysis. Since supporting evidence is limited at this time, the clinical significance of this alteration remains unclear.